The following is an entry in ClinVar:

ClinVar aggregate classification (germline): Uncertain significance (1 of 4 stars; one submission).

Conditions:
Baraitser-Winter syndrome 1 (BRWS1). Also called: PACHYGYRIA, MENTAL RETARDATION, EPILEPSY, AND CHARACTERISTIC FACIES; MENTAL RETARDATION WITH EPILEPSY AND CHARACTERISTIC FACIES; BARAITSER-WINTER SYNDROME 1, ATYPICAL; Cerebrofrontofacial syndrome. Identifiers: Orphanet 2649, Orphanet 2995, MedGen C1855722, MONDO:0009470, OMIM 243310.

Submission:

Laboratorio de Genetica e Diagnostico Molecular, Hospital Israelita Albert Einstein
Classification: Uncertain significance for Baraitser-Winter syndrome 1. Last evaluated: 2022-10-21. Review status: criteria provided, single submitter. Criteria: ACMG Guidelines, 2015. Collection method: clinical testing. Allele origin: germline. Affected: yes. Observed: 1 variant allele.
Comment: ACMG classification criteria: PM2 moderated, PP2 supporting, PP3 supporting

NM_001101.5(ACTB):c.898T>C (p.Ser300Pro)

Gene: ACTB (actin beta; minus strand). Cytogenetic location: 7p22.1.
Variant type: single nucleotide variant.
Coding change: c.898T>C on transcript NM_001101.5 (MANE Select); coding-DNA position 898, T replaced by C.
Protein change: p.Ser300Pro; replaces serine 300 with proline.
Molecular consequence: missense variant.
Genome position (GRCh38, 1-based): chr7:5,528,090, A>G on the plus strand (T>C on the coding strand, the complement: ACTB is on the minus strand). VCF-style: chr7-5528090-A-G. GRCh37 (hg19) VCF-style: chr7-5567721-A-G.
Other names: short protein forms S300P.
Identifiers: ClinVar variation 2431564 (VCV002431564.1), dbSNP rs2533846606, ClinGen allele CA366700180.